The following is an entry in ClinVar:

NM_001035.3(RYR2):c.8742G>A (p.Thr2914=)

Gene: RYR2 (ryanodine receptor 2; plus strand). Cytogenetic location: 1q43.
Variant type: single nucleotide variant.
Coding change: c.8742G>A on transcript NM_001035.3 (MANE Select); coding-DNA position 8742, G replaced by A.
Protein change: p.Thr2914=; no amino-acid change (threonine 2914 retained).
Molecular consequence: synonymous variant.
Genome position (GRCh38, 1-based): chr1:237,674,758, G>A. VCF-style: chr1-237674758-G-A. GRCh37 (hg19) VCF-style: chr1-237838058-G-A.
Other names: c.8742G>A (NM_001035.2).
Identifiers: ClinVar variation 806401 (VCV000806401.35), dbSNP rs751520306, ClinGen allele CA087720.
Genomic context (GRCh38, chr1:237,674,758, plus strand): 5'-ATTGCTTTCCCATTTTCATTTTTGCTCTTCCAGAGGATTTAAGGACCTGGAACTGGACAC[G>A]CCTTCTATTGAGAAACGATTTGCCTATAGTTTCCTCCAACAACTCATTCGCTATGTGGAT-3'
Protein context (NP_001026.2, residues 2904-2924): SRGFKDLELD[Thr2914=]PSIEKRFAYS

ClinVar aggregate classification (germline): Likely benign. Review status: criteria provided, multiple submitters, no conflicts (2 of 4 stars). 7 submissions from 7 submitters: Likely benign (7). Last evaluated 2025-05-16.

Conditions:
Cardiomyopathy (CMYO). Also called: Cardiomyopathies. Identifiers: Orphanet 167848, MedGen C0878544, MONDO:0004994, HP:0001638. Inheritance: Various modes of inheritance.
Arrhythmogenic right ventricular dysplasia 2. Identifiers: MedGen C1832931.
Catecholaminergic polymorphic ventricular tachycardia 1. Also called: VENTRICULAR TACHYCARDIA, CATECHOLAMINERGIC POLYMORPHIC, 1, WITH OR WITHOUT ATRIAL DYSFUNCTION AND/OR DILATED CARDIOMYOPATHY; RYR2-Related Catecholaminergic Polymorphic Ventricular Tachycardia; VENTRICULAR TACHYCARDIA, STRESS-INDUCED POLYMORPHIC 1. Identifiers: Orphanet 3286, MedGen C1631597, MONDO:0011484, OMIM 604772.
Ventricular arrhythmias due to cardiac ryanodine receptor calcium release deficiency syndrome. Also called: Autosomal dominant cardiac arrhythmia (Kuhn). Identifiers: MedGen C5542154, MONDO:0020745, OMIM 115000.
Cardiovascular phenotype. Identifiers: MedGen CN230736.
Catecholaminergic polymorphic ventricular tachycardia (CVPT). Also called: Catecholamine-induced polymorphic ventricular tachycardia. Identifiers: Orphanet 3286, MedGen C5574922, MONDO:0017990.

Allele frequency attached by ClinVar (database versions not stated): TOPMed 0.00001; gnomAD 0.00002; 1000 Genomes Project 30x 0.00016.
gnomAD v4.1: 40 of 1,611,616 alleles (0.0025%); highest among the groups gnomAD compares: Non-Finnish European, 0.0031%; no homozygotes.

Submissions (7):

Labcorp Genetics (formerly Invitae), Labcorp
Classification: Likely benign for Catecholaminergic polymorphic ventricular tachycardia 1. Last evaluated: 2025-05-16. Review status: criteria provided, single submitter. Criteria: Invitae Variant Classification Sherloc (09022015). Collection method: clinical testing. Allele origin: germline.

CeGaT Center for Human Genetics Tuebingen
Classification: Likely benign. Last evaluated: 2025-03-01. Review status: criteria provided, single submitter. Criteria: CeGaT Center For Human Genetics Tuebingen Variant Classification Criteria Version 2. Collection method: clinical testing. Allele origin: germline. Affected: yes. Observed: 1 variant allele.
Comment: RYR2: BP4, BP7

Blueprint Genetics
Classification: Likely benign. Last evaluated: 2024-02-28. Review status: criteria provided, single submitter. Criteria: ACMG Guidelines, 2015. Collection method: clinical testing. Allele origin: germline.

All of Us Research Program, National Institutes of Health
Classification: Likely benign for Catecholaminergic polymorphic ventricular tachycardia. Last evaluated: 2023-06-26. Review status: criteria provided, single submitter. Criteria: ACMG Guidelines, 2015. Collection method: clinical testing. Allele origin: germline. Inheritance: Autosomal dominant inheritance. Observed: 1 variant allele, 1 heterozygote.
Comment: This study involves interpretation of variants in research participants for the purpose of population health screening. Participant phenotype was not available at the time of variant classification. Additional details can be found in publication PMID: 35346344, PMCID: PMC8962531

Ambry Genetics
Classification: Likely benign for Cardiovascular phenotype. Last evaluated: 2022-02-20. Review status: criteria provided, single submitter. Criteria: Ambry Variant Classification Scheme 2023. Collection method: clinical testing. Allele origin: germline.

Fulgent Genetics
Classification: Likely benign for Ventricular arrhythmias due to cardiac ryanodine receptor calcium release deficiency syndrome; Catecholaminergic polymorphic ventricular tachycardia 1. Last evaluated: 2021-08-13. Review status: criteria provided, single submitter. Criteria: ACMG Guidelines, 2015. Collection method: clinical testing. Allele origin: unknown.

Color Diagnostics, LLC DBA Color Health
Classification: Likely benign for Cardiomyopathy. Last evaluated: 2018-11-21. Review status: criteria provided, single submitter. Criteria: ACMG Guidelines, 2015. Collection method: clinical testing. Allele origin: germline.